The following is an entry in ClinVar:

ClinVar aggregate classification (germline): Conflicting classifications of pathogenicity. Review status: criteria provided, conflicting classifications (1 of 4 stars). 4 submissions from 4 submitters: Uncertain significance (2); Likely benign (2). Last evaluated 2026-06-01.

Conditions:
Spinocerebellar ataxia type 13 (SCA13). Also called: Spinocerebellar Ataxia Type13. Identifiers: Orphanet 98768, MedGen C1854488, MONDO:0011529, OMIM 605259.

Submissions (4):

CeGaT Center for Human Genetics Tuebingen
Classification: Likely benign. Last evaluated: 2026-06-01. Review status: criteria provided, single submitter. Criteria: CeGaT Center For Human Genetics Tuebingen Variant Classification Criteria Version 2. Collection method: clinical testing. Allele origin: germline. Affected: yes. Observed: 3 variant alleles.
Comment: KCNC3: BS1

Labcorp Genetics (formerly Invitae), Labcorp
Classification: Uncertain significance. Last evaluated: 2025-09-02. Review status: criteria provided, single submitter. Criteria: Invitae Variant Classification Sherloc (09022015). Collection method: clinical testing. Allele origin: germline.
Comment: This variant, c.790_798dup, results in the insertion of 3 amino acid(s) of the KCNC3 protein (p.Ala264_Gly266dup), but otherwise preserves the integrity of the reading frame. This variant is present in population databases (no rsID available, gnomAD 0.2%), and has an allele count higher than expected for a pathogenic variant. This variant has not been reported in the literature in individuals affected with KCNC3-related conditions. Experimental studies and prediction algorithms are not available or were not evaluated, and the functional significance of this variant is currently unknown. In summary, the available evidence is currently insufficient to determine the role of this variant in disease. Therefore, it has been classified as a Variant of Uncertain Significance.

Blueprint Genetics
Classification: Likely benign. Last evaluated: 2024-11-21. Review status: criteria provided, single submitter. Criteria: ACMG Guidelines, 2015. Collection method: clinical testing. Allele origin: germline.

Fulgent Genetics
Classification: Uncertain significance for Spinocerebellar ataxia type 13. Last evaluated: 2021-09-01. Review status: criteria provided, single submitter. Criteria: ACMG Guidelines, 2015. Collection method: clinical testing. Allele origin: unknown.

NM_004977.3(KCNC3):c.781GCGGGCGGC[3] (p.261AGG[3])

Genes: KCNC3 (potassium voltage-gated channel subfamily C member 3; minus strand), LOC130064972 (ATAC-STARR-seq lymphoblastoid silent region 10954; plus strand). Cytogenetic location: 19q13.33.
Variant type: Microsatellite.
Coding change: c.781GCGGGCGGC[3] on transcript NM_004977.3 (MANE Select); three copies in a row of the 9-base unit GCGGGCGGC starting at c.781; the reference has two copies in a row; one copy, 9 bases duplicated; also written c.790_798dup.
Protein change: p.261AGG[3].
Molecular consequence: inframe insertion.
Genome position (GRCh38, 1-based): chr19:50,328,285-50,328,293, GCCGCCCGC duplicated on the plus strand (GCGGGCGGC on the coding strand, the reverse complement: KCNC3 is on the minus strand); duplicating any 9 consecutive bases within chr19:50,328,285-50,328,305 gives the same sequence; the position shown is the placement nearest the transcript's 3' end. VCF-style (leftmost placement, unchanged base first): chr19-50328284-T-TGCCGCCCGC. GRCh37 (hg19) VCF-style: chr19-50831541-T-TGCCGCCCGC.
Other names: c.790_798dup (NM_004977.3); c.553GCGGGCGGC[3], p.185AGG[3] (NM_001372305.1).
Identifiers: ClinVar variation 1509315 (VCV001509315.32), dbSNP rs764571894, ClinGen allele CA508178137.